The following is an entry in ClinVar:

ClinVar aggregate classification (germline): Pathogenic/Likely pathogenic. Review status: criteria provided, multiple submitters, no conflicts (2 of 4 stars). 3 submissions from 3 submitters: Pathogenic (2); Likely pathogenic (1). Last evaluated 2025-12-11.

Conditions:
POLG-related disorder. Also called: POLG-Related Spectrum Disorders; POLG-related condition; POLG-Related Disorders. Identifiers: MedGen C4763519.
Progressive sclerosing poliodystrophy (MTDPS4A). Also called: Mitochondrial DNA Depletion Syndrome 4A; ALPERS PROGRESSIVE INFANTILE POLIODYSTROPHY; Alpers Syndrome; NEURONAL DEGENERATION OF CHILDHOOD WITH LIVER DISEASE, PROGRESSIVE; Alpers-Huttenlocher Syndrome (AHS); ALPERS DIFFUSE DEGENERATION OF CEREBRAL GRAY MATTER WITH HEPATIC CIRRHOSIS. Identifiers: Orphanet 726, MedGen C0205710, MONDO:0008758, OMIM 203700.

gnomAD v4.1: 5 of 1,614,106 alleles (0.00031%); highest among the groups gnomAD compares: Non-Finnish European, 0.00042%; no homozygotes.

Submissions (4):

Myriad Genetics, Inc.
Classification: Likely pathogenic for POLG-related disorder. Last evaluated: 2025-12-11. Review status: criteria provided, single submitter. Criteria: Myriad Autosomal Dominant, Autosomal Recessive and X-Linked Classification Criteria (2023). Collection method: clinical testing. Allele origin: unknown.
Comment: NM_002693.2(POLG):c.2480+1G>A is a variant in a canonical splice site classified as likely pathogenic in the context of POLG-related disorders. c.2480+1G>A has been observed in a case with relevant disease (PMID: 18546365). Relevant functional assessments of this variant are not available in the literature. Internal structural analysis of the variant is supportive of pathogenicity. c.2480+1G>A has not been observed in referenced population frequency databases. In summary, NM_002693.2(POLG):c.2480+1G>A is a variant in a canonical splice site that has internal structural support for pathogenicity and has been observed more frequently in cases with the relevant disease than in healthy populations. Please note: this variant was assessed in the context of healthy population screening.

Baylor Genetics
Classification: Pathogenic for Progressive sclerosing poliodystrophy. Last evaluated: 2023-11-15. Review status: criteria provided, single submitter. Criteria: ACMG Guidelines, 2015. Collection method: clinical testing. Allele origin: unknown.

Wong Mito Lab, Molecular and Human Genetics, Baylor College of Medicine
Classification: Pathogenic for Progressive sclerosing poliodystrophy. Last evaluated: 2018-10-01. Review status: criteria provided, single submitter. Criteria: ACMG Guidelines, 2015. Collection method: clinical testing. Allele origin: germline.
Comment: The NM_002693.2:c.2480+1G>A (NP_002684.1:p.=) [GRCH38: NC_000015.10:g.89321961C>T] variant in POLG gene is interpretated to be a Pathogenic based on ACMG guidelines (PMID: 25741868). This variant meets the following evidence codes reported in the ACMG-guideline. PVS1:This variant is a predicted null variant in POLG where loss of function is a known mechanism of disease. PM2:This variant is absent in key population databases. PM3:Detected in trans with a pathogenic variant for Mitochondrial DNA depletion syndrome 4A (Alpers type) which is a recessive disorder. PM4:This variant causes alteration in the length of expressed protein. PP1:This variant is co-segregated with Mitochondrial DNA depletion syndrome 4A (Alpers type) in multiple affected family members. PP4:Patient's phenotype or family history is highly specific for POLG. Based on the evidence criteria codes applied, the variant is suggested to be Pathogenic.

Dr. Peter K. Rogan Lab, Western University
No classification provided (evidence only). Condition: Malignant tumor of urinary bladder. Review status: no classification provided. Collection method: in vitro. Allele origin: not applicable. Functional consequence: skipped exon. Not counted in ClinVar's aggregate classification.

Literature cited by the submitters: PubMed 18546365 (cited by Myriad Genetics, Inc.).

NM_002693.3(POLG):c.2480+1G>A

Gene: POLG (DNA polymerase gamma, catalytic subunit; minus strand). Cytogenetic location: 15q26.1.
Variant type: single nucleotide variant.
Coding change: c.2480+1G>A on transcript NM_002693.3 (MANE Select); the canonical splice donor site of the intron after coding-DNA position 2480, G replaced by A.
Molecular consequence: splice donor variant.
Genome position (GRCh38, 1-based): chr15:89,321,961, C>T on the plus strand (G>A on the coding strand, the complement: POLG is on the minus strand). VCF-style: chr15-89321961-C-T. GRCh37 (hg19) VCF-style: chr15-89865192-C-T.
Other names: NC_000015.9:g.89865192C>T; c.2480+1G>A (NM_001126131.2).
Identifiers: ClinVar variation 619400 (VCV000619400.4), dbSNP rs1567187326, ClinGen allele CA10602319.